The following is an entry in ClinVar:

NM_000271.5(NPC1):c.2522T>A (p.Ile841Lys)

Gene: NPC1 (NPC intracellular cholesterol transporter 1; minus strand). Cytogenetic location: 18q11.2.
Variant type: single nucleotide variant.
Coding change: c.2522T>A on transcript NM_000271.5 (MANE Select); coding-DNA position 2522, T replaced by A.
Protein change: p.Ile841Lys; replaces isoleucine 841 with lysine.
Molecular consequence: missense variant.
Genome position (GRCh38, 1-based): chr18:23,540,530, A>T on the plus strand (T>A on the coding strand, the complement: NPC1 is on the minus strand). VCF-style: chr18-23540530-A-T. GRCh37 (hg19) VCF-style: chr18-21120494-A-T.
Other names: c.2522T>A (NM_000271.4); short protein forms I841K.
Identifiers: ClinVar variation 1965289 (VCV001965289.6), dbSNP rs1363313204, ClinGen allele CA401793238.
Genomic context (GRCh38, chr18:23,540,530, plus strand): 5'-TCCAATCCAATATCTACTTTGTTCAGGACTGCGATGCTGAATGACAGAACACCCACAAAT[A>T]TTGCTATCTGGAACAACAAATGAATCATAAGACAGAGACTGCTTAGTAAATAAGCTTACG-3'
Protein context (NP_000262.2, residues 831-851): KDWMRPIVIA[Ile841Lys]FVGVLSFSIA

ClinVar aggregate classification (germline): Likely pathogenic. Review status: criteria provided, single submitter (1 of 4 stars). 2 submissions from 2 submitters: Likely pathogenic (1). 1 of the submissions does not count toward it. Last evaluated 2023-09-23.

Conditions:
Niemann-Pick disease, type C1. Also called: NEUROVISCERAL STORAGE DISEASE WITH VERTICAL SUPRANUCLEAR OPHTHALMOPLEGIA; NIEMANN-PICK DISEASE WITH CHOLESTEROL ESTERIFICATION BLOCK; NIEMANN-PICK DISEASE WITHOUT SPHINGOMYELINASE DEFICIENCY; NIEMANN-PICK DISEASE, CHRONIC NEURONOPATHIC FORM; NIEMANN-PICK DISEASE, VARIANT TYPE C1. Identifiers: Orphanet 646, MedGen C3179455, MONDO:0009757, OMIM 257220.

Allele frequency attached by ClinVar (database versions not stated): gnomAD 0.00001; TOPMed 0.00001.
gnomAD v4.1: 18 of 1,609,652 alleles (0.0011%); highest among the groups gnomAD compares: Non-Finnish European, 0.0015%; no homozygotes.

Submissions (2):

Labcorp Genetics (formerly Invitae), Labcorp
Classification: Likely pathogenic for Niemann-Pick disease, type C1. Last evaluated: 2023-09-23. Review status: criteria provided, single submitter. Criteria: Invitae Variant Classification Sherloc (09022015). Collection method: clinical testing. Allele origin: germline.
Comment: This sequence change replaces isoleucine, which is neutral and non-polar, with lysine, which is basic and polar, at codon 841 of the NPC1 protein (p.Ile841Lys). This variant is present in population databases (no rsID available, gnomAD 0.007%). This missense change has been observed in individual(s) with Niemann-Pick type C (PMID: 26984608). ClinVar contains an entry for this variant (Variation ID: 1965289). Advanced modeling of protein sequence and biophysical properties (such as structural, functional, and spatial information, amino acid conservation, physicochemical variation, residue mobility, and thermodynamic stability) performed at Invitae indicates that this missense variant is expected to disrupt NPC1 protein function. In summary, the currently available evidence indicates that the variant is pathogenic, but additional data are needed to prove that conclusively. Therefore, this variant has been classified as Likely Pathogenic.

Natera, Inc.
Classification: Uncertain significance for Niemann-Pick disease type C1. Last evaluated: 2025-02-06. Review status: no assertion criteria provided. Collection method: clinical testing. Allele origin: germline. Not counted in ClinVar's aggregate classification.

Literature cited by the submitters: PubMed 26984608 (cited by Labcorp Genetics (formerly Invitae), Labcorp).